The following is an entry in ClinVar:

NM_177438.3(DICER1):c.2050A>T (p.Met684Leu)

Gene: DICER1 (dicer 1, ribonuclease III; minus strand). Cytogenetic location: 14q32.13.
Variant type: single nucleotide variant.
Coding change: c.2050A>T on transcript NM_177438.3 (MANE Select); coding-DNA position 2050, A replaced by T.
Protein change: p.Met684Leu; replaces methionine 684 with leucine.
Molecular consequence: missense variant.
Genome position (GRCh38, 1-based): chr14:95,112,238, T>A on the plus strand (A>T on the coding strand, the complement: DICER1 is on the minus strand). VCF-style: chr14-95112238-T-A. GRCh37 (hg19) VCF-style: chr14-95578575-T-A.
Other names: c.2050A>T, p.Met684Leu (NM_001195573.1, NM_001271282.3, NM_001291628.2 and 1 more transcripts); short protein forms M684L.
Identifiers: ClinVar variation 820591 (VCV000820591.7), dbSNP rs142300389, ClinGen allele CA7331327.

ClinVar aggregate classification (germline): Uncertain significance. Review status: criteria provided, multiple submitters, no conflicts (2 of 4 stars). 2 submissions from 2 submitters: Uncertain significance (2). Last evaluated 2025-09-25.

Conditions:
DICER1-related tumor predisposition. Also called: DICER1-related pleuropulmonary blastoma cancer predisposition syndrome; DICER1 syndrome. Identifiers: Orphanet 284343, MedGen C3839822, MONDO:0100216.
Hereditary cancer-predisposing syndrome. Also called: Hereditary Cancer Syndrome; Neoplastic Syndromes, Hereditary; Hereditary neoplastic syndrome; Tumor predisposition. Identifiers: Orphanet 140162, MedGen C0027672, MeSH D009386, MONDO:0015356.

gnomAD v4.1: 1 of 1,614,066 alleles (0.000062%); highest among the groups gnomAD compares: South Asian, 0.0011%; no homozygotes.

Submissions (2):

Ambry Genetics
Classification: Uncertain significance for Hereditary cancer-predisposing syndrome. Last evaluated: 2025-09-25. Review status: criteria provided, single submitter. Criteria: Ambry Variant Classification Scheme 2023. Collection method: clinical testing. Allele origin: germline.
Comment: The p.M684L variant (also known as c.2050A>T), located in coding exon 12 of the DICER1 gene, results from an A to T substitution at nucleotide position 2050. The methionine at codon 684 is replaced by leucine, an amino acid with highly similar properties. This amino acid position is highly conserved in available vertebrate species. In addition, this alteration is predicted to be tolerated by in silico analysis. Since supporting evidence is limited at this time, the clinical significance of this alteration remains unclear.

Labcorp Genetics (formerly Invitae), Labcorp
Classification: Uncertain significance for DICER1-related tumor predisposition. Last evaluated: 2024-10-23. Review status: criteria provided, single submitter. Criteria: Invitae Variant Classification Sherloc (09022015). Collection method: clinical testing. Allele origin: germline.
Comment: This sequence change replaces methionine, which is neutral and non-polar, with leucine, which is neutral and non-polar, at codon 684 of the DICER1 protein (p.Met684Leu). This variant is present in population databases (rs142300389, gnomAD 0.003%). This variant has not been reported in the literature in individuals affected with DICER1-related conditions. ClinVar contains an entry for this variant (Variation ID: 820591). Invitae Evidence Modeling of protein sequence and biophysical properties (such as structural, functional, and spatial information, amino acid conservation, physicochemical variation, residue mobility, and thermodynamic stability) indicates that this missense variant is not expected to disrupt DICER1 protein function with a negative predictive value of 95%. In summary, the available evidence is currently insufficient to determine the role of this variant in disease. Therefore, it has been classified as a Variant of Uncertain Significance.